The following is an entry in ClinVar:

ClinVar aggregate classification (germline): Pathogenic (1 of 4 stars; one submission).

Conditions:
Bardet-Biedl syndrome (BBS). Identifiers: Orphanet 110, MedGen C0752166, MONDO:0015229.

Submission:

Labcorp Genetics (formerly Invitae), Labcorp
Classification: Pathogenic for Bardet-Biedl syndrome. Last evaluated: 2021-06-13. Review status: criteria provided, single submitter. Criteria: Invitae Variant Classification Sherloc (09022015). Collection method: clinical testing. Allele origin: germline.
Comment: For these reasons, this variant has been classified as Pathogenic. This variant has not been reported in the literature in individuals affected with BBS2-related conditions. This variant is a gross deletion of the genomic region encompassing exon(s) 3-11 of the BBS2 gene. This deletion is out-of-frame, and is expected to create a premature translational stop signal and result in an absent or disrupted protein product. Loss-of-function variants in BBS2 are known to be pathogenic (PMID: 11285252, 20177705, 24608809, 26518167).

Literature cited by the submitters: PubMed 11285252; PubMed 20177705; PubMed 24608809; PubMed 26518167.

NC_000016.9:g.(?_56534756)_(56545206_?)del

Gene: BBS2 (Bardet-Biedl syndrome 2; minus strand). Cytogenetic location: 16q12.2.
Variant type: Deletion.
Identifiers: ClinVar variation 1458453 (VCV001458453.4).